The following is an entry in ClinVar:

NM_000045.4(ARG1):c.241dup (p.Ala81fs)

Genes: ARG1 (arginase 1; plus strand), MED23 (mediator complex subunit 23; minus strand). Cytogenetic location: 6q23.2.
Variant type: Duplication.
Coding change: c.241dup on transcript NM_000045.4 (MANE Select); coding-DNA position 241, one base duplicated (G; older notation c.241dupG).
Protein change: p.Ala81fs; shifts the reading frame from alanine 81.
Molecular consequence: frameshift variant. On other transcripts: non-coding transcript variant (1), intron variant (2).
Genome position (GRCh38, 1-based): chr6:131,579,221, G duplicated; the last of 2 consecutive G bases (chr6:131,579,220-131,579,221); duplicating either gives the same sequence. VCF-style (leftmost placement, unchanged base first): chr6-131579219-T-TG. GRCh37 (hg19) VCF-style: chr6-131900359-T-TG.
Other names: c.265dup, p.Ala89fs (NM_001244438.2); c.241dup, p.Ala81fs (NM_001369020.1); c.4078-4925dup (NM_001270521.2); c.4096-4925dup (NM_015979.4); short protein forms A81fs, A89fs.
Identifiers: ClinVar variation 5012706 (VCV005012706.1).
Genomic context (GRCh38, chr6:131,579,219, plus strand): 5'-ATGACAGTCCCTTTCAAATTGTGAAGAATCCAAGGTCTGTGGGAAAAGCAAGCGAGCAGC[T>TG]GGCTGGCAAGGTGGCAGAAGTCAAGAAGAACGGAAGAATCAGCCTGGTGCTGGGCGGAGA-3'

ClinVar aggregate classification (germline): Pathogenic (1 of 4 stars; one submission).

Conditions:
Arginase deficiency. Also called: ARGININEMIA; ARG1 DEFICIENCY; Arginase 1 Deficiency. Identifiers: Orphanet 90, MedGen C0268548, MONDO:0008814, OMIM 207800.

Submission:

Myriad Genetics, Inc.
Classification: Pathogenic for Arginase deficiency. Last evaluated: 2024-02-03. Review status: criteria provided, single submitter. Criteria: Myriad Autosomal Dominant, Autosomal Recessive and X-Linked Classification Criteria (2023). Collection method: clinical testing. Allele origin: unknown.
Comment: NM_000045.3(ARG1):c.241dupG(A81Gfs*37) is expected to be pathogenic in the context of argininemia. This variant is predicted to lead to an abnormal or absent protein product due to the creation of a premature termination codon in ARG1, a gene where loss-of-function variants are known to be pathogenic. Please note: this variant was assessed in the context of healthy population screening.